The following is an entry in ClinVar:

NM_022051.3(EGLN1):c.365C>T (p.Ala122Val)

Gene: EGLN1 (egl-9 family hypoxia inducible factor 1; minus strand). Cytogenetic location: 1q42.2.
Variant type: single nucleotide variant.
Coding change: c.365C>T on transcript NM_022051.3 (MANE Select); coding-DNA position 365, C replaced by T.
Protein change: p.Ala122Val; replaces alanine 122 with valine.
Molecular consequence: missense variant.
Genome position (GRCh38, 1-based): chr1:231,421,524, G>A on the plus strand (C>T on the coding strand, the complement: EGLN1 is on the minus strand). VCF-style: chr1-231421524-G-A. GRCh37 (hg19) VCF-style: chr1-231557270-G-A.
Other names: c.365C>T, p.Ala122Val (NM_001377260.1, NM_001377261.1); short protein forms A122V.
Identifiers: ClinVar variation 2624652 (VCV002624652.2), dbSNP rs1271774308, ClinGen allele CA345237446.

ClinVar aggregate classification (germline): Uncertain significance (1 of 4 stars; one submission).

gnomAD v4.1: 1 of 1,295,098 alleles (0.000077%); no homozygotes.

Submission:

Ambry Genetics
Classification: Uncertain significance. Last evaluated: 2023-09-01. Review status: criteria provided, single submitter. Criteria: Ambry Variant Classification Scheme 2023. Collection method: clinical testing. Allele origin: germline.
Comment: The p.A122V variant (also known as c.365C>T), located in coding exon 1 of the EGLN1 gene, results from a C to T substitution at nucleotide position 365. The alanine at codon 122 is replaced by valine, an amino acid with similar properties. This amino acid position is conserved. In addition, this alteration is predicted to be tolerated by in silico analysis. Since supporting evidence is limited at this time, the clinical significance of this alteration remains unclear.